The following is an entry in ClinVar:

ClinVar aggregate classification (germline): Uncertain significance (1 of 4 stars; one submission).

Conditions:
Noonan syndrome-like disorder with loose anagen hair 2 (NSLH2). Identifiers: MedGen C4479577, MONDO:0054588, OMIM 617506.

Submission:

3billion
Classification: Uncertain significance for Noonan syndrome-like disorder with loose anagen hair 2. Last evaluated: 2025-07-30. Review status: criteria provided, single submitter. Criteria: ACMG Guidelines, 2015. Collection method: clinical testing. Allele origin: germline. Affected: yes.
Comment: The variant is not observed in the gnomAD v4.1.0 dataset. Predicted Consequence/Location: Frameshift: predicted to result in a loss or disruption of normal protein function through protein truncation. The predicted truncated protein may be shortened by less than 10%. Therefore, this variant is classified as VUS according to the recommendation of ACMG/AMP guideline.

NM_002709.3(PPP1CB):c.910dup (p.Tyr304fs)

Gene: PPP1CB (protein phosphatase 1 catalytic subunit beta; plus strand). Cytogenetic location: 2p23.2.
Variant type: Duplication.
Coding change: c.910dup on transcript NM_002709.3 (MANE Select); coding-DNA position 910, one base duplicated (T; older notation c.910dupT).
Protein change: p.Tyr304fs; shifts the reading frame from tyrosine 304.
Molecular consequence: frameshift variant.
Genome position (GRCh38, 1-based): chr2:28,799,229, T duplicated. VCF-style (leftmost placement, unchanged base first): chr2-28799228-A-AT. GRCh37 (hg19) VCF-style: chr2-29022094-A-AT.
Other names: c.910dup, p.Tyr304fs (NM_206876.2); short protein forms Y304fs.
Identifiers: ClinVar variation 4854504 (VCV004854504.1).